The following is an entry in ClinVar:

ClinVar aggregate classification (germline): Uncertain significance. Review status: criteria provided, multiple submitters, no conflicts (2 of 4 stars). 5 submissions from 5 submitters: Uncertain significance (4). 1 of the submissions does not count toward it. Last evaluated 2025-12-10.

Conditions:
CNTNAP2-related disorder. Also called: CNTNAP2-related condition.
Cortical dysplasia-focal epilepsy syndrome (PTHSL1). Also called: Pitt-Hopkins-like syndrome 1. Identifiers: Orphanet 163681, Orphanet 221150, MedGen C2750246, MONDO:0012400, OMIM 610042.

Allele frequency attached by ClinVar (database versions not stated): gnomAD exomes 0.00006 and 0.00009; TOPMed 0.00006; gnomAD 0.00007; ESP Exome Variant Server 0.00008; ExAC 0.00004.
gnomAD v4.1: 138 of 1,611,654 alleles (0.0086%); highest among the groups gnomAD compares: Non-Finnish European, 0.011%; no homozygotes.

Submissions (5):

Women's Health and Genetics/Laboratory Corporation of America, LabCorp
Classification: Uncertain significance. Last evaluated: 2025-12-10. Review status: criteria provided, single submitter. Criteria: LabCorp Variant Classification Summary - May 2015. Collection method: clinical testing. Allele origin: germline.
Comment: Variant summary: CNTNAP2 c.1504C>G (p.Leu502Val) results in a conservative amino acid change in the encoded protein sequence. Algorithms developed to predict the effect of missense changes on protein structure and function all suggest that this variant is likely to be tolerated. The variant allele was found at a frequency of 5.6e-05 in 250952 control chromosomes. This frequency is not significantly higher than estimated for disease-causing variants in CNTNAP2, allowing no conclusion about variant significance. To our knowledge, no occurrence of c.1504C>G in individuals affected with CNTNAP2-related conditions and no experimental evidence demonstrating its impact on protein function have been reported. ClinVar contains an entry for this variant (Variation ID: 166911). Based on the evidence outlined above, the variant was classified as uncertain significance.

Labcorp Genetics (formerly Invitae), Labcorp
Classification: Uncertain significance for Cortical dysplasia-focal epilepsy syndrome. Last evaluated: 2022-09-12. Review status: criteria provided, single submitter. Criteria: Invitae Variant Classification Sherloc (09022015). Collection method: clinical testing. Allele origin: germline.
Comment: This sequence change replaces leucine, which is neutral and non-polar, with valine, which is neutral and non-polar, at codon 502 of the CNTNAP2 protein (p.Leu502Val). This variant is present in population databases (rs368470905, gnomAD 0.01%). This variant has not been reported in the literature in individuals affected with CNTNAP2-related conditions. ClinVar contains an entry for this variant (Variation ID: 166911). Algorithms developed to predict the effect of missense changes on protein structure and function (SIFT, PolyPhen-2, Align-GVGD) all suggest that this variant is likely to be tolerated. In summary, the available evidence is currently insufficient to determine the role of this variant in disease. Therefore, it has been classified as a Variant of Uncertain Significance.

GeneDx
Classification: Uncertain significance. Last evaluated: 2021-10-19. Review status: criteria provided, single submitter. Criteria: GeneDx Variant Classification Process June 2021. Collection method: clinical testing. Allele origin: germline. Affected: yes.
Comment: Not observed at significant frequency in large population cohorts (Lek et al., 2016); In silico analysis supports that this missense variant does not alter protein structure/function; Has not been previously published as pathogenic or benign to our knowledge

Eurofins Ntd Llc (ga)
Classification: Uncertain significance. Last evaluated: 2018-06-07. Review status: criteria provided, single submitter. Criteria: EGL ClinVar v180209 classification definitions. Collection method: clinical testing. Allele origin: germline. Observed: 2 variant alleles, 2 heterozygotes.

PreventionGenetics, part of Exact Sciences
Classification: Uncertain significance for CNTNAP2-related condition. Last evaluated: 2024-01-29. Review status: no assertion criteria provided. Collection method: clinical testing. Allele origin: germline. Not counted in ClinVar's aggregate classification.
Comment: The CNTNAP2 c.1504C>G variant is predicted to result in the amino acid substitution p.Leu502Val. To our knowledge, this variant has not been reported in the literature. This variant is reported in 0.012% of alleles in individuals of European (Non-Finnish) descent in gnomAD. At this time, the clinical significance of this variant is uncertain due to the absence of conclusive functional and genetic evidence.

NM_014141.6(CNTNAP2):c.1504C>G (p.Leu502Val)

Gene: CNTNAP2 (contactin associated protein 2; plus strand). Cytogenetic location: 7q35.
Variant type: single nucleotide variant.
Coding change: c.1504C>G on transcript NM_014141.6 (MANE Select); coding-DNA position 1504, C replaced by G.
Protein change: p.Leu502Val; replaces leucine 502 with valine.
Molecular consequence: missense variant.
Genome position (GRCh38, 1-based): chr7:147,395,614, C>G. VCF-style: chr7-147395614-C-G. GRCh37 (hg19) VCF-style: chr7-147092706-C-G.
Other names: p.L502V:CTG>GTG; short protein forms L502V.
Identifiers: ClinVar variation 166911 (VCV000166911.20), dbSNP rs368470905, ClinGen allele CA233783.
Genomic context (GRCh38, chr7:147,395,614, plus strand): 5'-TAGTGAAGGTTATACTGTACACCAGATTTACATTCCCATTTCTTCTGTTTCACAGGTTTT[C>G]TGAACCAGATGAATAACTCAAGTCACTCTGTCCTTCAGCCTTCATTCCAAGGATGCATGC-3'
Protein context (NP_054860.1, residues 492-512): TGEKYFFGGF[Leu502Val]NQMNNSSHSV